The following is an entry in ClinVar:

ClinVar aggregate classification (germline): Uncertain significance (1 of 4 stars; one submission).

Conditions:
Developmental and epileptic encephalopathy 94 (DEE94). Also called: Epileptic encephalopathy, childhood-onset; CHD2-Related Neurodevelopmental Disorders. Identifiers: Orphanet 1942, Orphanet 2382, MedGen C3809278, MONDO:0014150, OMIM 615369.

gnomAD v4.1: 3 of 1,613,604 alleles (0.00019%); highest among the groups gnomAD compares: Non-Finnish European, 0.00025%; no homozygotes.

Submission:

Labcorp Genetics (formerly Invitae), Labcorp
Classification: Uncertain significance for Developmental and epileptic encephalopathy 94. Last evaluated: 2022-11-28. Review status: criteria provided, single submitter. Criteria: Invitae Variant Classification Sherloc (09022015). Collection method: clinical testing. Allele origin: germline.
Comment: This variant has not been reported in the literature in individuals affected with CHD2-related conditions. Algorithms developed to predict the effect of sequence changes on RNA splicing suggest that this variant may create or strengthen a splice site. In summary, the available evidence is currently insufficient to determine the role of this variant in disease. Therefore, it has been classified as a Variant of Uncertain Significance. This variant is not present in population databases (gnomAD no frequency). This sequence change affects codon 692 of the CHD2 mRNA. It is a 'silent' change, meaning that it does not change the encoded amino acid sequence of the CHD2 protein.

NM_001271.4(CHD2):c.2076G>A (p.Val692=)

Gene: CHD2 (chromodomain helicase DNA binding protein 2; plus strand). Cytogenetic location: 15q26.1.
Variant type: single nucleotide variant.
Coding change: c.2076G>A on transcript NM_001271.4 (MANE Select); coding-DNA position 2076, G replaced by A.
Protein change: p.Val692=; no amino-acid change (valine 692 retained).
Molecular consequence: synonymous variant.
Genome position (GRCh38, 1-based): chr15:92,967,400, G>A. VCF-style: chr15-92967400-G-A. GRCh37 (hg19) VCF-style: chr15-93510630-G-A.
Identifiers: ClinVar variation 2018516 (VCV002018516.4), dbSNP rs2053779795, ClinGen allele CA492499305.